The following is an entry in ClinVar:

ClinVar aggregate classification (germline): Uncertain significance (1 of 4 stars; one submission).

Conditions:
DYRK1A-related intellectual disability syndrome (MRD7). Also called: DYRK1A Syndrome; Intellectual developmental disorder, autosomal dominant 7. Identifiers: Orphanet 464306, MedGen C5568143, MONDO:0013578, OMIM 614104.

Submission:

Labcorp Genetics (formerly Invitae), Labcorp
Classification: Uncertain significance for DYRK1A-related intellectual disability syndrome. Last evaluated: 2022-08-14. Review status: criteria provided, single submitter. Criteria: Invitae Variant Classification Sherloc (09022015). Collection method: clinical testing. Allele origin: germline.
Comment: This sequence change replaces asparagine, which is neutral and polar, with aspartic acid, which is acidic and polar, at codon 725 of the DYRK1A protein (p.Asn725Asp). This variant is not present in population databases (gnomAD no frequency). This variant has not been reported in the literature in individuals affected with DYRK1A-related conditions. Advanced modeling of protein sequence and biophysical properties (such as structural, functional, and spatial information, amino acid conservation, physicochemical variation, residue mobility, and thermodynamic stability) performed at Invitae indicates that this missense variant is not expected to disrupt DYRK1A protein function. In summary, the available evidence is currently insufficient to determine the role of this variant in disease. Therefore, it has been classified as a Variant of Uncertain Significance.

NM_001347721.2(DYRK1A):c.2146A>G (p.Asn716Asp)

Gene: DYRK1A (dual specificity tyrosine phosphorylation regulated kinase 1A; plus strand). Cytogenetic location: 21q22.13.
Variant type: single nucleotide variant.
Coding change: c.2146A>G on transcript NM_001347721.2 (MANE Select); coding-DNA position 2146, A replaced by G.
Protein change: p.Asn716Asp; replaces asparagine 716 with aspartic acid.
Molecular consequence: missense variant. On other transcripts: 3 prime UTR variant (2).
Genome position (GRCh38, 1-based): chr21:37,512,412, A>G. VCF-style: chr21-37512412-A-G. GRCh37 (hg19) VCF-style: chr21-38884715-A-G.
Other names: c.2146A>G, p.Asn716Asp (NM_001347722.2, NM_130436.2); c.2059A>G, p.Asn687Asp (NM_001347723.2); c.2173A>G, p.Asn725Asp (NM_001396.5); c.*549A>G (NM_101395.2); c.*458A>G (NM_130438.2); short protein forms N687D, N716D, N725D.
Identifiers: ClinVar variation 1716452 (VCV001716452.6), dbSNP rs1401007472, ClinGen allele CA409941285.